The following is an entry in ClinVar:

NM_004168.4(SDHA):c.1897G>A (p.Gly633Ser)

Gene: SDHA (succinate dehydrogenase complex flavoprotein subunit A; plus strand). Cytogenetic location: 5p15.33.
Variant type: single nucleotide variant.
Coding change: c.1897G>A on transcript NM_004168.4 (MANE Select); coding-DNA position 1897, G replaced by A.
Protein change: p.Gly633Ser; replaces glycine 633 with serine.
Molecular consequence: missense variant.
Genome position (GRCh38, 1-based): chr5:254,495, G>A. VCF-style: chr5-254495-G-A. GRCh37 (hg19) VCF-style: chr5-254610-G-A.
Other names: c.1753G>A, p.Gly585Ser (NM_001294332.2); c.1654G>A, p.Gly552Ser (NM_001330758.2); short protein forms G552S, G585S, G633S.
Identifiers: ClinVar variation 1057426 (VCV001057426.11), dbSNP rs2126641674, ClinGen allele CA359002242.

ClinVar aggregate classification (germline): Conflicting classifications of pathogenicity. Review status: criteria provided, conflicting classifications (1 of 4 stars). 2 submissions from 2 submitters: Uncertain significance (1); Likely benign (1). Last evaluated 2020-12-02.

Conditions:
Mitochondrial complex II deficiency, nuclear type 1. Also called: SUCCINATE CoQ REDUCTASE DEFICIENCY. Identifiers: Orphanet 3208, MedGen C5700310, MONDO:0100294, OMIM 252011.
Pheochromocytoma/paraganglioma syndrome 5. Also called: Paragangliomas 5; SDHA-Related Hereditary Paraganglioma-Pheochromocytoma Syndrome. Identifiers: Orphanet 29072, MedGen C3279992, MONDO:0013602, OMIM 614165.
Hereditary cancer-predisposing syndrome. Also called: Tumor predisposition; Hereditary neoplastic syndrome; Neoplastic Syndromes, Hereditary; Hereditary Cancer Syndrome. Identifiers: Orphanet 140162, MedGen C0027672, MeSH D009386, MONDO:0015356.

Submissions (2):

Ambry Genetics
Classification: Likely benign for Hereditary cancer-predisposing syndrome. Last evaluated: 2020-12-02. Review status: criteria provided, single submitter. Criteria: Ambry Variant Classification Scheme 2023. Collection method: clinical testing. Allele origin: germline.

Labcorp Genetics (formerly Invitae), Labcorp
Classification: Uncertain significance for Pheochromocytoma/paraganglioma syndrome 5; Mitochondrial complex II deficiency, nuclear type 1. Last evaluated: 2020-08-08. Review status: criteria provided, single submitter. Criteria: Invitae Variant Classification Sherloc (09022015). Collection method: clinical testing. Allele origin: germline.
Comment: In summary, the available evidence is currently insufficient to determine the role of this variant in disease. Therefore, it has been classified as a Variant of Uncertain Significance. This sequence change replaces glycine with serine at codon 633 of the SDHA protein (p.Gly633Ser). The glycine residue is weakly conserved and there is a small physicochemical difference between glycine and serine. This variant is not present in population databases (ExAC no frequency). This variant has not been reported in the literature in individuals with SDHA-related conditions. Advanced modeling of protein sequence and biophysical properties (such as structural, functional, and spatial information, amino acid conservation, physicochemical variation, residue mobility, and thermodynamic stability) performed at Invitae indicates that this missense variant is not expected to disrupt SDHA protein function. Algorithms developed to predict the effect of sequence changes on RNA splicing suggest that this variant may create or strengthen a splice site, but this prediction has not been confirmed by published transcriptional studies.